The following is an entry in ClinVar:

ClinVar aggregate classification (germline): Uncertain significance (1 of 4 stars; one submission).

Conditions:
Hereditary cancer-predisposing syndrome. Also called: Neoplastic Syndromes, Hereditary; Tumor predisposition; Hereditary Cancer Syndrome; Hereditary neoplastic syndrome. Identifiers: Orphanet 140162, MedGen C0027672, MeSH D009386, MONDO:0015356.

Submission:

Ambry Genetics
Classification: Uncertain significance for Hereditary cancer-predisposing syndrome. Last evaluated: 2024-10-21. Review status: criteria provided, single submitter. Criteria: Ambry Variant Classification Scheme 2023. Collection method: clinical testing. Allele origin: germline.
Comment: The p.K1041N variant (also known as c.3123A>T), located in coding exon 11 of the PALB2 gene, results from an A to T substitution at nucleotide position 3123. The lysine at codon 1041 is replaced by asparagine, an amino acid with similar properties. This amino acid position is conserved. In addition, this alteration is predicted to be tolerated by in silico analysis. Based on the available evidence, the clinical significance of this variant remains unclear.

NM_024675.4(PALB2):c.3123A>T (p.Lys1041Asn)

Gene: PALB2 (partner and localizer of BRCA2; minus strand). Cytogenetic location: 16p12.2.
Variant type: single nucleotide variant.
Coding change: c.3123A>T on transcript NM_024675.4 (MANE Select); coding-DNA position 3123, A replaced by T.
Protein change: p.Lys1041Asn; replaces lysine 1041 with asparagine.
Molecular consequence: missense variant. On other transcripts: intron variant (3).
Genome position (GRCh38, 1-based): chr16:23,614,082, T>A on the plus strand (A>T on the coding strand, the complement: PALB2 is on the minus strand). VCF-style: chr16-23614082-T-A. GRCh37 (hg19) VCF-style: chr16-23625403-T-A.
Other names: c.3063A>T, p.Lys1021Asn (NM_001407296.1); c.3051A>T, p.Lys1017Asn (NM_001407297.1); c.2961A>T, p.Lys987Asn (NM_001407298.1, NM_001407302.1); c.2844A>T, p.Lys948Asn (NM_001407300.1); c.3123A>T, p.Lys1041Asn (NM_001407301.1); c.2238A>T, p.Lys746Asn (NM_001407304.1, NM_001407305.1, NM_001407306.1 and 2 more transcripts); c.2076A>T, p.Lys692Asn (NM_001407307.1); c.1335A>T, p.Lys445Asn (NM_001407312.1, NM_001407313.1); and 3 more; short protein forms K692N, K948N, K1017N, K219N, K445N, K1021N, K1041N, K746N.
Identifiers: ClinVar variation 3413486 (VCV003413486.1).
Genomic context (GRCh38, chr16:23,614,082, plus strand): 5'-GTGACAGACTGAAGCTTGGTAAGAATCATCAATGTGCATCTTTTTCAGGAGTTGACCAGT[T>A]TTTAAATTCCTTAGATAACAAAAATAAATAAGCTGATCACATTCTTCCAACAAACCAGTT-3'
Protein context (NP_078951.2, residues 1031-1051): IMNNIVIWNL[Lys1041Asn]TGQLLKKMHI